The following is an entry in ClinVar:

NM_000057.4(BLM):c.3104A>G (p.Glu1035Gly)

Gene: BLM (BLM RecQ like helicase; plus strand). Cytogenetic location: 15q26.1.
Variant type: single nucleotide variant.
Coding change: c.3104A>G on transcript NM_000057.4 (MANE Select); coding-DNA position 3104, A replaced by G.
Protein change: p.Glu1035Gly; replaces glutamic acid 1035 with glycine.
Molecular consequence: missense variant.
Genome position (GRCh38, 1-based): chr15:90,794,251, A>G. VCF-style: chr15-90794251-A-G. GRCh37 (hg19) VCF-style: chr15-91337481-A-G.
Other names: c.3104A>G, p.Glu1035Gly (NM_001287246.2, NM_001287247.2); c.1979A>G, p.Glu660Gly (NM_001287248.2); short protein forms E1035G, E660G.
Identifiers: ClinVar variation 822898 (VCV000822898.5), dbSNP rs1288025724, ClinGen allele CA393846842.

ClinVar aggregate classification (germline): Uncertain significance (1 of 4 stars; one submission).

Conditions:
Hereditary cancer-predisposing syndrome. Also called: Tumor predisposition; Hereditary Cancer Syndrome; Neoplastic Syndromes, Hereditary; Hereditary neoplastic syndrome. Identifiers: Orphanet 140162, MedGen C0027672, MeSH D009386, MONDO:0015356.

Allele frequency attached by ClinVar (database versions not stated): gnomAD exomes below 0.00001; TOPMed below 0.00001; gnomAD 0.00001.
gnomAD v4.1: 2 of 1,605,484 alleles (0.00012%); highest among the groups gnomAD compares: East Asian, 0.0045%; no homozygotes.

Submission:

Ambry Genetics
Classification: Uncertain significance for Hereditary cancer-predisposing syndrome. Last evaluated: 2025-09-07. Review status: criteria provided, single submitter. Criteria: Ambry Variant Classification Scheme 2023. Collection method: clinical testing. Allele origin: germline.
Comment: The p.E1035G variant (also known as c.3104A>G), located in coding exon 15 of the BLM gene, results from an A to G substitution at nucleotide position 3104. The glutamic acid at codon 1035 is replaced by glycine, an amino acid with similar properties. This amino acid position is highly conserved in available vertebrate species. In addition, this alteration is predicted to be deleterious by in silico analysis. Since supporting evidence is limited at this time, the clinical significance of this alteration remains unclear.